The following is an entry in ClinVar:

NM_001042492.3(NF1):c.5521del (p.Gln1841fs)

Gene: NF1 (neurofibromin 1; plus strand). Cytogenetic location: 17q11.2.
Variant type: Deletion.
Coding change: c.5521del on transcript NM_001042492.3 (MANE Select); coding-DNA position 5521, one base deleted (C; older notation c.5521delC).
Protein change: p.Gln1841fs; shifts the reading frame from glutamine 1841.
Molecular consequence: frameshift variant.
Genome position (GRCh38, 1-based): chr17:31,327,751, C deleted; the last of 5 consecutive C bases (chr17:31,327,747-31,327,751); deleting any one gives the same sequence. VCF-style (leftmost placement, unchanged base first): chr17-31327746-TC-T. GRCh37 (hg19) VCF-style: chr17-29654764-TC-T.
Other names: c.5458delC, p.Gln1820Asnfs (NM_000267.4); short protein forms Q1820fs, Q1841fs.
Identifiers: ClinVar variation 1428433 (VCV001428433.8), dbSNP rs2069383586, ClinGen allele CA2573153409.
Genomic context (GRCh38, chr17:31,327,746, plus strand): 5'-CCATTGTCCAGTCTATCATTCATATCCGGACCCGCTGGGAACTGTCACAGCCCGACTCTA[TC>T]CCCCAACACACCAAGATTCGGCCAAAAGATGTCCCTGGGACACTGCTCAATATCGCATTA-3'

ClinVar aggregate classification (germline): Pathogenic (1 of 4 stars; one submission).

Conditions:
Neurofibromatosis, type 1 (NF1). Also called: VON RECKLINGHAUSEN DISEASE; NEUROFIBROMATOSIS, TYPE I, SOMATIC; Neurofibromatosis, type I; Peripheral type neurofibromatosis. Identifiers: Orphanet 636, MedGen C0027831, MONDO:0018975, OMIM 162200. Disease mechanism: loss of function.

Submission:

Labcorp Genetics (formerly Invitae), Labcorp
Classification: Pathogenic for Neurofibromatosis, type 1. Last evaluated: 2025-04-17. Review status: criteria provided, single submitter. Criteria: Invitae Variant Classification Sherloc (09022015). Collection method: clinical testing. Allele origin: germline.
Comment: This sequence change creates a premature translational stop signal (p.Gln1820Asnfs*22) in the NF1 gene. It is expected to result in an absent or disrupted protein product. Loss-of-function variants in NF1 are known to be pathogenic (PMID: 10712197, 23913538). This variant is not present in population databases (gnomAD no frequency). This premature translational stop signal has been observed in individual(s) with clinical features of neurofibromatosis type 1 (PMID: 18546366). ClinVar contains an entry for this variant (Variation ID: 1428433). For these reasons, this variant has been classified as Pathogenic.

Literature cited by the submitters: PubMed 10712197; PubMed 23913538; PubMed 18546366.